The following is an entry in ClinVar:

NM_001127511.3(APC):c.-9G>A

Gene: APC (APC regulator of Wnt signaling pathway; plus strand). Cytogenetic location: 5q22.2.
Variant type: single nucleotide variant.
Coding change: c.-9G>A on transcript NM_001127511.3; 9 bases upstream of the start codon, G replaced by A.
Molecular consequence: 5 prime UTR variant. On other transcripts: non-coding transcript variant (1), intron variant (5).
Genome position (GRCh38, 1-based): chr5:112,707,709, G>A. VCF-style: chr5-112707709-G-A. GRCh37 (hg19) VCF-style: chr5-112043406-G-A.
Other names: c.-192G>A (NM_001354895.2, NM_001407447.1, NM_001407452.1 and 3 more transcripts); c.-9G>A (NM_001354897.2, NM_001354902.2, NM_001407446.1); c.-1227G>A (NM_001407470.1, NM_001407472.1); c.-19+60G>A (NM_001407448.1, NM_001407450.1, NM_001407457.1 and 1 more transcripts); c.-43+60G>A (NM_001407453.1).
Identifiers: ClinVar variation 1521104 (VCV001521104.6), dbSNP rs1750599420, ClinGen allele CA1573442655.

ClinVar aggregate classification (germline): Uncertain significance (1 of 4 stars; one submission).

Conditions:
Familial adenomatous polyposis 1 (FAP1). Also called: FAMILIAL ADENOMATOUS POLYPOSIS 1, ATTENUATED; POLYPOSIS, ADENOMATOUS INTESTINAL. Identifiers: MedGen C2713442, MONDO:0021056, OMIM 175100. Disease mechanism: loss of function.

Allele frequency attached by ClinVar (database versions not stated): gnomAD exomes 0.00001; TOPMed below 0.00001.
gnomAD v4.1: 2 of 1,370,652 alleles (0.00015%); highest among the groups gnomAD compares: South Asian, 0.0024%; 1 homozygote.

Submission:

Labcorp Genetics (formerly Invitae), Labcorp
Classification: Uncertain significance for Familial adenomatous polyposis 1. Last evaluated: 2021-04-08. Review status: criteria provided, single submitter. Criteria: Invitae Variant Classification Sherloc (09022015). Collection method: clinical testing. Allele origin: germline.
Comment: This variant occurs in a non-coding region of the APC gene. It does not change the encoded amino acid sequence of the APC protein. In summary, the available evidence is currently insufficient to determine the role of this variant in disease. Therefore, it has been classified as a Variant of Uncertain Significance. Experimental studies and prediction algorithms are not available or were not evaluated, and the functional significance of this variant is currently unknown. This variant has not been reported in the literature in individuals with APC-related conditions. The frequency data for this variant in the population databases is considered unreliable, as metrics indicate insufficient coverage at this position in the ExAC database.